The following is an entry in ClinVar:

NM_000051.4(ATM):c.1012_1014delinsCTTCAGG (p.Asn338fs)

Gene: ATM (ATM serine/threonine kinase; plus strand). Cytogenetic location: 11q22.3.
Variant type: Indel.
Coding change: c.1012_1014delinsCTTCAGG on transcript NM_000051.4 (MANE Select); coding-DNA positions 1012 to 1014, AAT replaced by CTTCAGG.
Protein change: p.Asn338fs; shifts the reading frame from asparagine 338.
Molecular consequence: frameshift variant.
Genome position (GRCh38, 1-based): chr11:108,247,074-108,247,076, AAT replaced by CTTCAGG. VCF-style: chr11-108247074-AAT-CTTCAGG. GRCh37 (hg19) VCF-style: chr11-108117801-AAT-CTTCAGG.
Other names: c.1012_1014delinsCTTCAGG, p.Asn338fs (NM_001351834.2); short protein forms N338fs.
Identifiers: ClinVar variation 3148491 (VCV003148491.1), dbSNP rs2497181890, ClinGen allele CA2825001763.

ClinVar aggregate classification (germline): Pathogenic (1 of 4 stars; one submission).

Conditions:
Familial cancer of breast. Also called: BREAST CANCER, FAMILIAL; Hereditary breast cancer; hereditary breast carcinoma. Identifiers: Orphanet 227535, MedGen C0346153, MONDO:0016419, OMIM 114480. Disease mechanism: loss of function.

Submission:

Myriad Genetics, Inc.
Classification: Pathogenic for Familial cancer of breast. Last evaluated: 2024-01-11. Review status: criteria provided, single submitter. Criteria: Myriad Autosomal Dominant, Autosomal Recessive and X-Linked Classification Criteria (2023). Collection method: clinical testing. Allele origin: unknown.
Comment: This variant is considered pathogenic. This variant creates a frameshift predicted to result in premature protein truncation.